The following is an entry in ClinVar:

ClinVar aggregate classification (germline): Uncertain significance. Review status: criteria provided, multiple submitters, no conflicts (2 of 4 stars). 2 submissions from 2 submitters: Uncertain significance (2). Last evaluated 2025-06-05.

gnomAD v4.1: 17 of 1,614,006 alleles (0.0011%); highest among the groups gnomAD compares: Non-Finnish European, 0.0014%; no homozygotes.

Submissions (2):

GeneDx
Classification: Uncertain significance. Last evaluated: 2025-06-05. Review status: criteria provided, single submitter. Criteria: GeneDx Variant Classification Process June 2021. Collection method: clinical testing. Allele origin: germline. Affected: yes.
Comment: In silico analysis supports that this missense variant has a deleterious effect on protein structure/function; Has not been previously published as pathogenic or benign to our knowledge

Labcorp Genetics (formerly Invitae), Labcorp
Classification: Uncertain significance. Last evaluated: 2024-06-24. Review status: criteria provided, single submitter. Criteria: Invitae Variant Classification Sherloc (09022015). Collection method: clinical testing. Allele origin: germline.
Comment: This sequence change replaces alanine, which is neutral and non-polar, with serine, which is neutral and polar, at codon 957 of the VPS13D protein (p.Ala957Ser). This variant is present in population databases (no rsID available, gnomAD 0.004%). This variant has not been reported in the literature in individuals affected with VPS13D-related conditions. Advanced modeling of protein sequence and biophysical properties (such as structural, functional, and spatial information, amino acid conservation, physicochemical variation, residue mobility, and thermodynamic stability) performed at Invitae indicates that this missense variant is expected to disrupt VPS13D protein function with a positive predictive value of 80%. In summary, the available evidence is currently insufficient to determine the role of this variant in disease. Therefore, it has been classified as a Variant of Uncertain Significance.

NM_015378.4(VPS13D):c.2869G>T (p.Ala957Ser)

Gene: VPS13D (vacuolar protein sorting 13 homolog D; plus strand). Cytogenetic location: 1p36.22.
Variant type: single nucleotide variant.
Coding change: c.2869G>T on transcript NM_015378.4 (MANE Select); coding-DNA position 2869, G replaced by T.
Protein change: p.Ala957Ser; replaces alanine 957 with serine.
Molecular consequence: missense variant.
Genome position (GRCh38, 1-based): chr1:12,276,457, G>T. VCF-style: chr1-12276457-G-T. GRCh37 (hg19) VCF-style: chr1-12336514-G-T.
Other names: c.2869G>T, p.Ala957Ser (NM_018156.4); c.2869G>T (NM_015378.3); short protein forms A957S.
Identifiers: ClinVar variation 3607874 (VCV003607874.3).